The following is an entry in ClinVar:

NM_001164586.2(IGFN1):c.11043C>T (p.Ser3681=)

Gene: IGFN1 (immunoglobulin like and fibronectin type III domain containing 1; plus strand). Cytogenetic location: 1q32.1.
Variant type: single nucleotide variant.
Coding change: c.11043C>T on transcript NM_001164586.2 (MANE Select); coding-DNA position 11043, C replaced by T.
Protein change: p.Ser3681=; no amino-acid change (serine 3681 retained).
Molecular consequence: synonymous variant.
Genome position (GRCh38, 1-based): chr1:201,227,138, C>T. VCF-style: chr1-201227138-C-T. GRCh37 (hg19) VCF-style: chr1-201196266-C-T.
Other names: c.3672C>T, p.Ser1224= (NM_001367841.1).
Identifiers: ClinVar variation 2639776 (VCV002639776.24), dbSNP rs41269933, ClinGen allele CA1323889.
Genomic context (GRCh38, chr1:201,227,138, plus strand): 5'-CAGCACTGACCTGCTGGGCGTGTGCTCCCTCACCATCCCCAGCGTATCCCCGAAGGACAG[C>T]GGGGAGTACAAGGCTGTGGCTGAGAACACGCTGGGCCAGGCAGTCAGCACTGCCACCCTC-3'
Protein context (NP_001158058.1, residues 3671-3691): LTIPSVSPKD[Ser3681=]GEYKAVAENT

ClinVar aggregate classification (germline): Likely benign (1 of 4 stars; one submission).

Allele frequency attached by ClinVar (database versions not stated): 1000 Genomes Project 0.00120; 1000 Genomes Project 30x 0.00156; TOPMed 0.00505; gnomAD 0.00589; ExAC 0.00667; ESP Exome Variant Server 0.00746.
gnomAD v4.1: 13,949 of 1,613,254 alleles (0.86%); highest among the groups gnomAD compares: Non-Finnish European, 1.1%; 83 homozygotes.

Submission:

CeGaT Center for Human Genetics Tuebingen
Classification: Likely benign. Last evaluated: 2022-09-01. Review status: criteria provided, single submitter. Criteria: CeGaT Center For Human Genetics Tuebingen Variant Classification Criteria Version 2. Collection method: clinical testing. Allele origin: germline. Affected: yes. Observed: 2 variant alleles.
Comment: IGFN1: BP4, BP7